The following is an entry in ClinVar:

NM_001378615.1(CC2D2A):c.438+1G>T

Genes: CC2D2A (coiled-coil and C2 domain containing 2A; plus strand), FBXL5 (F-box and leucine rich repeat protein 5; minus strand). Cytogenetic location: 4p15.32.
Variant type: single nucleotide variant.
Coding change: c.438+1G>T on transcript NM_001378615.1 (MANE Select); the canonical splice donor site of the intron after coding-DNA position 438, G replaced by T.
Molecular consequence: splice donor variant.
Genome position (GRCh38, 1-based): chr4:15,502,924, G>T. VCF-style: chr4-15502924-G-T. GRCh37 (hg19) VCF-style: chr4-15504547-G-T.
Other names: c.438+1G>T (NM_001080522.2); c.291+1G>T (NM_001378617.1).
Identifiers: ClinVar variation 870401 (VCV000870401.13), dbSNP rs1453265480, ClinGen allele CA356408458.
Genomic context (GRCh38, chr4:15,502,924, plus strand): 5'-CGGCCCAGACGCTTACGAAGTCCCAGTAAGAAAGAATTGGAGACTGAATTTGGCACAGAG[G>T]TGAGAAATACCCTCTCTACTTTGTGATCAAAACCAGTAAAGCAGAATATAAAGTTTCCAG-3'

ClinVar aggregate classification (germline): Conflicting classifications of pathogenicity. Review status: criteria provided, conflicting classifications (1 of 4 stars). 3 submissions from 3 submitters: Likely pathogenic (1); Uncertain significance (2). Last evaluated 2021-02-26.

Conditions:
Meckel-Gruber syndrome. Also called: Dysencephalia splachnocystica; DYSENCEPHALIA SPLANCHNOCYSTICA; GRUBER SYNDROME. Identifiers: Orphanet 564, MedGen C0265215, MONDO:0018921.
Joubert syndrome. Also called: JOUBERT-BOLTSHAUSER SYNDROME; Familial aplasia of the vermis. Identifiers: Orphanet 475, MedGen C5979921, MONDO:0018772.
Joubert syndrome 9 (JBTS9). Identifiers: Orphanet 2318, MedGen C2676788, MONDO:0012849, OMIM 612285.

Submissions (3):

Labcorp Genetics (formerly Invitae), Labcorp
Classification: Likely pathogenic for Joubert syndrome; Meckel-Gruber syndrome. Last evaluated: 2021-02-26. Review status: criteria provided, single submitter. Criteria: Invitae Variant Classification Sherloc (09022015). Collection method: clinical testing. Allele origin: germline.
Comment: In summary, the currently available evidence indicates that the variant is pathogenic, but additional data are needed to prove that conclusively. Therefore, this variant has been classified as Likely Pathogenic. Donor and acceptor splice site variants typically lead to a loss of protein function (PMID: 16199547), and loss-of-function variants in CC2D2A are known to be pathogenic (PMID: 19777577). Algorithms developed to predict the effect of sequence changes on RNA splicing suggest that this variant may disrupt the consensus splice site, but this prediction has not been confirmed by published transcriptional studies. This variant has not been reported in the literature in individuals with CC2D2A-related conditions. This variant is not present in population databases (ExAC no frequency). This sequence change affects a donor splice site in intron 7 of the CC2D2A gene. It is expected to disrupt RNA splicing and likely results in an absent or disrupted protein product.

Victorian Clinical Genetics Services, Murdoch Childrens Research Institute
Classification: Uncertain significance for Joubert syndrome 9. Last evaluated: 2018-04-23. Review status: criteria provided, single submitter. Criteria: ACMG Guidelines, 2015. Collection method: clinical testing. Allele origin: inherited. Affected: yes. Observed: 3 variant alleles. Clinical features observed: Polyhydramnios (HP:0001561), Muscle weakness (HP:0001324), Generalized hypotonia (HP:0001290), Areflexia (HP:0001284), Myopathic facies (HP:0002058).
Comment: A homozygous canonical splice site variant, NM_001080522.2(CC2D2A):c.438+1G>T, has been identified in intron 7 of 37 of the CC2D2A gene. The variant is likely to cause a splice defect and is predicted to result in loss of protein function either through truncation or nonsense-mediated decay. In silico software predictions of pathogenicity indicate this variant results in a loss of a splice donor site. Further testing via RNA studies are required to confirm if splicing is altered. The variant is absent in population databases (gnomAD, dbSNP, 1000G) and has not been previously reported in clinical cases. However, other canonical splice variants downstream of this variant have been reporting as pathogenic in individuals with Joubert or Meckel syndrome (ClinVar). Based on the information available at the time of curation, this variant has been classified as a VARIANT of UNCERTAIN SIGNIFICANCE (VUS) with POTENTIAL CLINICAL RELEVANCE.

Kids Neuroscience Centre, Sydney Children's Hospitals Network
Classification: Uncertain significance for Joubert syndrome 9. Review status: criteria provided, single submitter. Criteria: Bournazos AM et al. (Genet Med 2021). Collection method: provider interpretation, clinical testing. Allele origin: inherited, unknown. Inheritance: Autosomal recessive inheritance. Affected: yes and no. Observed: 2 heterozygotes, 1 homozygote.
Comment: The c.438+1G>T variant results in exon-7 skipping, an in-frame event. Exon-7 skipping removes 34 amino acids p.(Ser113_Glu146del) from the CC2D2A protein, of which 24 residues are conserved in mammals. ClinVar identifies numerous pathogenic variants associated with Joubert syndrome or Meckel-Gruber syndrome that impact only the long isoform of CC2D2A, confirming that dysfunction or absence of the long isoform of CC2D2A is linked to disease. However, the functional consequence of in-frame deletion of numerous, conserved amino acids encoded by exon-7 is uncertain.

Literature cited by the submitters: PubMed 16199547 (cited by Labcorp Genetics (formerly Invitae), Labcorp); PubMed 19777577 (cited by Labcorp Genetics (formerly Invitae), Labcorp).